The following is an entry in ClinVar:

NM_148172.3(PEMT):c.634G>A (p.Val212Met)

Gene: PEMT (phosphatidylethanolamine N-methyltransferase; minus strand). Cytogenetic location: 17p11.2.
Variant type: single nucleotide variant.
Coding change: c.634G>A on transcript NM_148172.3 (MANE Select); coding-DNA position 634, G replaced by A.
Protein change: p.Val212Met; replaces valine 212 with methionine.
Molecular consequence: missense variant.
Genome position (GRCh38, 1-based): chr17:17,506,246, C>T on the plus strand (G>A on the coding strand, the complement: PEMT is on the minus strand). VCF-style: chr17-17506246-C-T. GRCh37 (hg19) VCF-style: chr17-17409560-C-T.
Other names: c.568G>A, p.Val190Met (NM_001267551.2); c.665G>A, p.Ser222Asn (NM_001267552.2); c.523G>A, p.Val175Met (NM_007169.3, NM_148173.2); short protein forms S222N, V175M, V190M, V212M.
Identifiers: ClinVar variation 1279483 (VCV001279483.2), dbSNP rs7946, ClinGen allele CA8417709.
Genomic context (GRCh38, chr17:17,506,246, plus strand): 5'-GTCGGGCAGCCACGCCCCCACCCGCCGCAGCCCCTACTCACTCTTCGTATAGGAGAGCCA[C>T]TATGTAGGTGAGGGCCACCAGCACCGTCAGGAGCAGGCCCGTGGGGCTGGCGTGCCTGAA-3'
Protein context (NP_680477.1, residues 202-222): LTVLVALTYI[Val212Met]ALLYEEPFTA

ClinVar aggregate classification (germline): Benign. Review status: criteria provided, multiple submitters, no conflicts (2 of 4 stars). 2 submissions from 2 submitters: Benign (2). Last evaluated 2018-10-15.

Allele frequency attached by ClinVar (database versions not stated): 1000 Genomes Project 0.42452; 1000 Genomes Project 30x 0.43207; TOPMed 0.57215; gnomAD exomes 0.58779 and 0.69846; gnomAD 0.58971 and 0.59659; ESP Exome Variant Server 0.61547; ExAC 0.63754.
gnomAD v4.1: 1,082,411 of 1,577,234 alleles (69%); highest among the groups gnomAD compares: Non-Finnish European, 75%; 385,160 homozygotes.

Submissions (2):

GeneDx
Classification: Benign. Last evaluated: 2018-10-15. Review status: criteria provided, single submitter. Criteria: GeneDx Variant Classification Process June 2021. Collection method: clinical testing. Allele origin: germline. Affected: yes.
Comment: This variant is associated with the following publications: (PMID: 17391797, 16051693, 29083408, 31695245)

Breakthrough Genomics
Classification: Benign. Review status: criteria provided, single submitter. Criteria: ACMG Guidelines, 2015. Collection method: not provided. Allele origin: germline. Inheritance: Unknown mechanism. Affected: yes.